The following is an entry in ClinVar:

NM_206933.4(USH2A):c.551C>G (p.Thr184Ser)

Gene: USH2A (usherin; minus strand). Cytogenetic location: 1q41.
Variant type: single nucleotide variant.
Coding change: c.551C>G on transcript NM_206933.4 (MANE Select); coding-DNA position 551, C replaced by G.
Protein change: p.Thr184Ser; replaces threonine 184 with serine.
Molecular consequence: missense variant.
Genome position (GRCh38, 1-based): chr1:216,418,614, G>C on the plus strand (C>G on the coding strand, the complement: USH2A is on the minus strand). VCF-style: chr1-216418614-G-C. GRCh37 (hg19) VCF-style: chr1-216591956-G-C.
Other names: c.551C>G, p.Thr184Ser (NM_007123.6); short protein forms T184S.
Identifiers: ClinVar variation 1966617 (VCV001966617.5), dbSNP rs2102783958, ClinGen allele CA344902540.

ClinVar aggregate classification (germline): Uncertain significance (1 of 4 stars; one submission).

Submission:

Labcorp Genetics (formerly Invitae), Labcorp
Classification: Uncertain significance. Last evaluated: 2022-03-18. Review status: criteria provided, single submitter. Criteria: Invitae Variant Classification Sherloc (09022015). Collection method: clinical testing. Allele origin: germline.
Comment: In summary, the available evidence is currently insufficient to determine the role of this variant in disease. Therefore, it has been classified as a Variant of Uncertain Significance. Algorithms developed to predict the effect of missense changes on protein structure and function are either unavailable or do not agree on the potential impact of this missense change (SIFT: "Deleterious"; PolyPhen-2: "Possibly Damaging"; Align-GVGD: "Class C0"). This sequence change replaces threonine, which is neutral and polar, with serine, which is neutral and polar, at codon 184 of the USH2A protein (p.Thr184Ser). This variant is not present in population databases (gnomAD no frequency). This variant has not been reported in the literature in individuals affected with USH2A-related conditions.